The following is an entry in ClinVar:

NM_000051.4(ATM):c.9073G>T (p.Val3025Leu)

Genes: ATM (ATM serine/threonine kinase; plus strand), C11orf65 (chromosome 11 open reading frame 65; minus strand). Cytogenetic location: 11q22.3.
Variant type: single nucleotide variant.
Coding change: c.9073G>T on transcript NM_000051.4 (MANE Select); coding-DNA position 9073, G replaced by T.
Protein change: p.Val3025Leu; replaces valine 3025 with leucine.
Molecular consequence: missense variant. On other transcripts: intron variant (2).
Genome position (GRCh38, 1-based): chr11:108,365,410, G>T. VCF-style: chr11-108365410-G-T. GRCh37 (hg19) VCF-style: chr11-108236137-G-T.
Other names: c.9073G>T, p.Val3025Leu (NM_001351834.2); c.640+20510C>A (NM_001330368.2); c.694+20510C>A (NM_001351110.2); short protein forms V3025L.
Identifiers: ClinVar variation 822983 (VCV000822983.9), dbSNP rs1555151925, ClinGen allele CA382531710.

ClinVar aggregate classification (germline): Uncertain significance. Review status: criteria provided, multiple submitters, no conflicts (2 of 4 stars). 2 submissions from 2 submitters: Uncertain significance (2). Last evaluated 2023-05-11.

Conditions:
Hereditary cancer-predisposing syndrome. Also called: Tumor predisposition; Neoplastic Syndromes, Hereditary; Hereditary Cancer Syndrome; Hereditary neoplastic syndrome. Identifiers: Orphanet 140162, MedGen C0027672, MeSH D009386, MONDO:0015356.
Ataxia-telangiectasia syndrome (AT). Also called: ATAXIA-TELANGIECTASIA, COMPLEMENTATION GROUP A; ATAXIA-TELANGIECTASIA, FRESNO VARIANT; Ataxia-telangiectasia; Ataxia-telangiectasia, complementation group D; AT, COMPLEMENTATION GROUP C; Ataxia-telangiectasia, complementation group E. Identifiers: Orphanet 100, MedGen C0004135, MONDO:0008840, OMIM 208900.

Submissions (2):

Labcorp Genetics (formerly Invitae), Labcorp
Classification: Uncertain significance for Ataxia-telangiectasia syndrome. Last evaluated: 2023-05-11. Review status: criteria provided, single submitter. Criteria: Invitae Variant Classification Sherloc (09022015). Collection method: clinical testing. Allele origin: germline.
Comment: In summary, the available evidence is currently insufficient to determine the role of this variant in disease. Therefore, it has been classified as a Variant of Uncertain Significance. An algorithm developed to predict the effect of missense changes on protein structure and function (PolyPhen-2) suggests that this variant is likely to be tolerated. ClinVar contains an entry for this variant (Variation ID: 822983). This variant has not been reported in the literature in individuals affected with ATM-related conditions. This variant is not present in population databases (gnomAD no frequency). This sequence change replaces valine, which is neutral and non-polar, with leucine, which is neutral and non-polar, at codon 3025 of the ATM protein (p.Val3025Leu).

Ambry Genetics
Classification: Uncertain significance for Hereditary cancer-predisposing syndrome. Last evaluated: 2019-03-05. Review status: criteria provided, single submitter. Criteria: Ambry Variant Classification Scheme 2023. Collection method: clinical testing. Allele origin: germline.
Comment: The p.V3025L variant (also known as c.9073G>T), located in coding exon 62 of the ATM gene, results from a G to T substitution at nucleotide position 9073. The valine at codon 3025 is replaced by leucine, an amino acid with highly similar properties. This amino acid position is highly conserved in available vertebrate species. In addition, the in silico prediction for this alteration is inconclusive. Since supporting evidence is limited at this time, the clinical significance of this alteration remains unclear.